The following is an entry in ClinVar:

ClinVar aggregate classification (germline): Uncertain significance (1 of 4 stars; one submission).

Allele frequency attached by ClinVar (database versions not stated): gnomAD exomes below 0.00001; TOPMed below 0.00001; ExAC 0.00001; gnomAD 0.00001; 1000 Genomes Project 30x 0.00021; 1000 Genomes Project 0.00026.
gnomAD v4.1: 3 of 1,209,806 alleles (0.00025%); highest among the groups gnomAD compares: South Asian, 0.0018%; no homozygotes.

Submission:

GeneDx
Classification: Uncertain significance. Last evaluated: 2025-04-18. Review status: criteria provided, single submitter. Criteria: GeneDx Variant Classification Process June 2021. Collection method: clinical testing. Allele origin: germline. Affected: yes.
Comment: In silico analysis supports that this missense variant has a deleterious effect on protein structure/function; Has not been previously published as pathogenic or benign to our knowledge

NM_004606.5(TAF1):c.3364C>T (p.Arg1122Trp)

Gene: TAF1 (TATA-box binding protein associated factor 1; plus strand). Cytogenetic location: Xq13.1.
Variant type: single nucleotide variant.
Coding change: c.3364C>T on transcript NM_004606.5 (MANE Select); coding-DNA position 3364, C replaced by T.
Protein change: p.Arg1122Trp; replaces arginine 1122 with tryptophan.
Molecular consequence: missense variant. On other transcripts: non-coding transcript variant (9).
Genome position (GRCh38, 1-based): chrX:71,394,203, C>T. VCF-style: chrX-71394203-C-T. GRCh37 (hg19) VCF-style: chrX-70614053-C-T.
Other names: c.3364C>T, p.Arg1122Trp (NM_001286074.2); c.3301C>T, p.Arg1101Trp (NM_138923.4); short protein forms R1101W, R1122W.
Identifiers: ClinVar variation 1693096 (VCV001693096.3), dbSNP rs775836470, ClinGen allele CA10447023.